The following is an entry in ClinVar:

NM_001370259.2(MEN1):c.327del (p.Gly111fs)

Gene: MEN1 (menin 1; minus strand). Cytogenetic location: 11q13.1.
Variant type: Deletion.
Coding change: c.327del on transcript NM_001370259.2 (MANE Select); coding-DNA position 327, one base deleted (A; older notation c.327delA).
Protein change: p.Gly111fs; shifts the reading frame from glycine 111.
Molecular consequence: frameshift variant. On other transcripts: non-coding transcript variant (4).
Genome position (GRCh38, 1-based): chr11:64,809,783, T deleted on the plus strand (A on the coding strand, the reverse complement: MEN1 is on the minus strand); the first of 2 consecutive T bases (chr11:64,809,783-64,809,784); deleting either gives the same sequence. VCF-style (leftmost placement, unchanged base first): chr11-64809782-CT-C. GRCh37 (hg19) VCF-style: chr11-64577254-CT-C.
Other names: c.327delA (NM_130799.2); c.327del, p.Gly111fs (NM_000244.4, NM_001370251.2, NM_001370260.2 and 20 more transcripts); short protein forms G111fs.
Identifiers: ClinVar variation 3394945 (VCV003394945.1).

ClinVar aggregate classification (germline): Pathogenic (1 of 4 stars; one submission).

Conditions:
Hereditary cancer-predisposing syndrome. Also called: Hereditary Cancer Syndrome; Tumor predisposition; Hereditary neoplastic syndrome; Neoplastic Syndromes, Hereditary. Identifiers: Orphanet 140162, MedGen C0027672, MeSH D009386, MONDO:0015356.

Submission:

Ambry Genetics
Classification: Pathogenic for Hereditary cancer-predisposing syndrome. Last evaluated: 2024-07-18. Review status: criteria provided, single submitter. Criteria: Ambry Variant Classification Scheme 2023. Collection method: clinical testing. Allele origin: germline.
Comment: The c.327delA pathogenic mutation, located in coding exon 1 of the MEN1 gene, results from a deletion of one nucleotide at nucleotide position 327, causing a translational frameshift with a predicted alternate stop codon (p.G111Vfs*8). This variant has been observed in multiple individuals with a personal and/or family history that is consistent with multiple endocrine neoplasia type 1 (MEN1) (Bassett JH et al. Am J Hum Genet, 1998 Feb;62:232-44; DE Melo FM et al. Anticancer Res, 2018 Jun;38:3683-3687; Ambry internal data). This variant is considered to be rare based on population cohorts in the Genome Aggregation Database (gnomAD). In addition to the clinical data presented in the literature, this alteration is expected to result in loss of function by premature protein truncation or nonsense-mediated mRNA decay. As such, this alteration is interpreted as a disease-causing mutation.

Literature cited by the submitters: PubMed 29848728; PubMed 9463336.